The following is an entry in ClinVar:

NM_006031.6(PCNT):c.6595G>A (p.Gly2199Ser)

Gene: PCNT (pericentrin; plus strand). Cytogenetic location: 21q22.3.
Variant type: single nucleotide variant.
Coding change: c.6595G>A on transcript NM_006031.6 (MANE Select); coding-DNA position 6595, G replaced by A.
Protein change: p.Gly2199Ser; replaces glycine 2199 with serine.
Molecular consequence: missense variant.
Genome position (GRCh38, 1-based): chr21:46,416,513, G>A. VCF-style: chr21-46416513-G-A. GRCh37 (hg19) VCF-style: chr21-47836427-G-A.
Other names: c.6241G>A, p.Gly2081Ser (NM_001315529.2); short protein forms G2199S, G2081S.
Identifiers: ClinVar variation 3415882 (VCV003415882.2).

ClinVar aggregate classification (germline): Conflicting classifications of pathogenicity. Review status: criteria provided, conflicting classifications (1 of 4 stars). 2 submissions from 2 submitters: Uncertain significance (1); Likely benign (1). Last evaluated 2025-05-29.

Conditions:
Inborn genetic diseases. Identifiers: MedGen C0950123, MeSH D030342.
PCNT-related disorder. Also called: PCNT-related condition.

gnomAD v4.1: 1 of 1,613,686 alleles (0.000062%); highest among the groups gnomAD compares: African/African-American, 0.0013%; no homozygotes.

Submissions (2):

PreventionGenetics, part of Exact Sciences
Classification: Uncertain significance for PCNT-related condition. Last evaluated: 2025-05-29. Review status: criteria provided, single submitter. Criteria: ACMG Guidelines, 2015. Collection method: clinical testing. Allele origin: germline.
Comment: The PCNT c.6595G>A variant is predicted to result in the amino acid substitution p.Gly2199Ser. To our knowledge, this variant has not been reported in the literature or in a large population database (gnomAD), indicating this variant is rare. At this time, the clinical significance of this variant is uncertain due to the absence of conclusive functional and genetic evidence.

Ambry Genetics
Classification: Likely benign for Inborn genetic diseases. Last evaluated: 2024-09-04. Review status: criteria provided, single submitter. Criteria: Ambry Variant Classification Scheme 2023. Collection method: clinical testing. Allele origin: germline.